The following is an entry in ClinVar:

ClinVar aggregate classification (germline): Likely benign. Review status: criteria provided, single submitter (1 of 4 stars). 3 submissions from 2 submitters: Likely benign (1). 2 of the submissions do not count toward it. Last evaluated 2024-05-21.

Conditions:
HEMOGLOBIN OTTAWA.
HEMOGLOBIN SIAM.

Submissions (3):

ARUP Laboratories, Molecular Genetics and Genomics, ARUP Laboratories
Classification: Likely benign. Last evaluated: 2024-05-21. Review status: criteria provided, single submitter. Criteria: ARUP Molecular Germline Variant Investigation Process 2024. Collection method: clinical testing. Allele origin: germline.
Comment: The Hb Siam/Hb Ottawa variant (HBA1/HBA2: c.46G>C; p.Gly16Arg), also known as Gly15Arg when numbered from the mature protein, rs35816645, HbVar ID:18, ClinVar Variation ID: 15797) is reported in the heterozygous state in individuals with no clinical features with normal hematology (Huang 2011, Lou 2014, Yodsowan 2000), or whose hematological abnormality is attributed to another genetic cause (Zhao 2021). Abnormal electrophoresis results have been described for this variant (Hb Var Database). This variant is absent from the Genome Aggregation Database (v2.1.1), indicating it is not a common polymorphism. Computational analyses are uncertain whether this variant is neutral or deleterious (REVEL: 0.590). Based on available information, this variant is considered to be likely benign. References: Link to HbVar database: Huang Y et al. Molecular and clinical characteristics of hemoglobin Ottawa detected in a Chinese population. Mol Med Rep. 2011 May-Jun;4(3):581-3. PMID: 21468611. Lou JW et al. Prevalence and molecular characterization of structural hemoglobin variants in the Dongguan region of Guangdong province, southern China. Hemoglobin. 2014;38(4):282-6. PMID: 24985555. Yodsowan B et al. Hb Siam (alpha15(A13)Gly-->Arg) is a GGT-->CGT mutation in the alpha1-globin gene. Hemoglobin. 2000 Feb;24(1):71-5. PMID: 10722119. Zhao RQ et al. A novel SPTB frameshift deletion causing hereditary spherocytosis identified by next-generation sequencing in a Chinese family. Int J Lab Hematol. 2021 Dec;43(6):e294-e297. PMID: 33974364.

OMIM
Classification: other for HEMOGLOBIN OTTAWA. Last evaluated: 2016-07-20. Review status: no assertion criteria provided. Collection method: literature only. Allele origin: germline. Not counted in ClinVar's aggregate classification.

OMIM
Classification: other for HEMOGLOBIN SIAM. Last evaluated: 2016-07-20. Review status: no assertion criteria provided. Collection method: literature only. Allele origin: germline. Not counted in ClinVar's aggregate classification.

Literature cited by the submitters: Vella, F., Casey, R., Lehmann, H., Labossiere, A., Jones, T. G. Haemoglobin Ottawa: alpha 15 gly-to-arg. Biochim. Biophys. Acta 336: 25-29, 1974. (cited by OMIM); PubMed 4135957 (cited by OMIM); PubMed 10722119 (cited by OMIM); PubMed 11939517 (cited by OMIM).

NM_000558.5(HBA1):c.46G>C (p.Gly16Arg)

Genes: HBA1 (hemoglobin subunit alpha 1; plus strand), LOC106804613 (hemoglobin subunit alpha 1 recombination region; plus strand). Cytogenetic location: 16p13.3.
Variant type: single nucleotide variant.
Coding change: c.46G>C on transcript NM_000558.5 (MANE Select); coding-DNA position 46, G replaced by C.
Protein change: p.Gly16Arg; replaces glycine 16 with arginine.
Molecular consequence: missense variant.
Genome position (GRCh38, 1-based): chr16:176,762, G>C. VCF-style: chr16-176762-G-C. GRCh37 (hg19) VCF-style: chr16-226761-G-C.
Other names: G15R; short protein forms G16R.
Identifiers: ClinVar variation 15797 (VCV000015797.3), dbSNP rs35816645, ClinGen allele CA125855.